The following is an entry in ClinVar:

ClinVar aggregate classification (germline): Benign/Likely benign. Review status: criteria provided, multiple submitters, no conflicts (2 of 4 stars). 4 submissions from 4 submitters: Benign (2); Likely benign (1). 1 of the submissions does not count toward it. Last evaluated 2026-01-14.

Conditions:
NBEAL2-related disorder. Also called: NBEAL2-related condition.
Gray platelet syndrome (GPS). Also called: BLEEDING DISORDER, PLATELET-TYPE, 4. Identifiers: Orphanet 721, MedGen C0272302, MONDO:0007686, OMIM 139090.

Allele frequency attached by ClinVar (database versions not stated): ExAC 0.00097; 1000 Genomes Project 0.00140; 1000 Genomes Project 30x 0.00141; ESP Exome Variant Server 0.00301; gnomAD 0.00314 and 0.00344; TOPMed 0.00359.
gnomAD v4.1: 974 of 1,613,638 alleles (0.06%); highest among the groups gnomAD compares: African/African-American, 1.1%; 5 homozygotes.

Submissions (4):

Labcorp Genetics (formerly Invitae), Labcorp
Classification: Benign. Last evaluated: 2026-01-14. Review status: criteria provided, single submitter. Criteria: Invitae Variant Classification Sherloc (09022015). Collection method: clinical testing. Allele origin: germline.

Blueprint Genetics
Classification: Likely benign. Last evaluated: 2024-07-08. Review status: criteria provided, single submitter. Criteria: ACMG Guidelines, 2015. Collection method: clinical testing. Allele origin: germline.

Illumina Laboratory Services, Illumina
Classification: Benign for Gray platelet syndrome. Last evaluated: 2018-01-12. Review status: criteria provided, single submitter. Criteria: ICSL Variant Classification Criteria 13 December 2019. Collection method: clinical testing. Allele origin: germline.
Comment: This variant was observed in the ICSL laboratory as part of a predisposition screen in an ostensibly healthy population. It had not been previously curated by ICSL or reported in the Human Gene Mutation Database (HGMD: prior to June 1st, 2018), and was therefore a candidate for classification through an automated scoring system. Utilizing variant allele frequency, disease prevalence and penetrance estimates, and inheritance mode, an automated score was calculated to assess if this variant is too frequent to cause the disease. Based on the score and internal cut-off values, a variant classified as benign is not then subjected to further curation. The score for this variant resulted in a classification of benign for this disease.

PreventionGenetics, part of Exact Sciences
Classification: Benign for NBEAL2-related condition. Last evaluated: 2019-09-18. Review status: no assertion criteria provided. Collection method: clinical testing. Allele origin: germline. Not counted in ClinVar's aggregate classification.
Comment: This variant is classified as benign based on ACMG/AMP sequence variant interpretation guidelines (Richards et al. 2015 PMID: 25741868, with internal and published modifications).

NM_015175.3(NBEAL2):c.123C>G (p.Ser41=)

Gene: NBEAL2 (neurobeachin like 2; plus strand). Cytogenetic location: 3p21.31.
Variant type: single nucleotide variant.
Coding change: c.123C>G on transcript NM_015175.3 (MANE Select); coding-DNA position 123, C replaced by G.
Protein change: p.Ser41=; no amino-acid change (serine 41 retained).
Molecular consequence: synonymous variant.
Genome position (GRCh38, 1-based): chr3:46,988,740, C>G. VCF-style: chr3-46988740-C-G. GRCh37 (hg19) VCF-style: chr3-47030230-C-G.
Other names: c.102C>G, p.Ser34= (NM_001365116.2).
Identifiers: ClinVar variation 345613 (VCV000345613.13), dbSNP rs61734084, ClinGen allele CA2359982.